The following is an entry in ClinVar:

NM_000501.4(ELN):c.1367C>A (p.Thr456Asn)

Gene: ELN (elastin; plus strand). Cytogenetic location: 7q11.23.
Variant type: single nucleotide variant.
Coding change: c.1367C>A on transcript NM_000501.4 (MANE Select); coding-DNA position 1367, C replaced by A.
Protein change: p.Thr456Asn; replaces threonine 456 with asparagine.
Molecular consequence: missense variant. On other transcripts: intron variant (7).
Genome position (GRCh38, 1-based): chr7:74,057,649, C>A. VCF-style: chr7-74057649-C-A. GRCh37 (hg19) VCF-style: chr7-73471979-C-A.
Other names: c.1382C>A, p.Thr461Asn (NM_001081754.3); c.1367C>A, p.Thr456Asn (NM_001278912.2, NM_001278915.2); c.1337C>A, p.Thr446Asn (NM_001278917.2); c.1454C>A, p.Thr485Asn (NM_001278939.2); c.1372+936C>A (NM_001081753.3); c.1357+936C>A (NM_001081755.3); c.1315+936C>A (NM_001278916.2); c.1171+936C>A (NM_001278913.2); and 3 more; short protein forms T456N, T446N, T461N, T485N.
Identifiers: ClinVar variation 2233210 (VCV002233210.4), dbSNP rs1284858645, ClinGen allele CA367882825.
Genomic context (GRCh38, chr7:74,057,649, plus strand): 5'-AGGGAGGGGTGTGAGAGATTACTCTCTCACCCCTTCTCTTCACACCTCCAGGAGTGGGGA[C>A]CCCAGCAGCTGCAGCTGCTAAAGCAGCCGCCAAAGCCGCCCAGTTTGGTAAGTCCCCCTC-3'
Protein context (NP_000492.2, residues 446-466): AAKAAKYGVG[Thr456Asn]PAAAAAKAAA

ClinVar aggregate classification (germline): Uncertain significance. Review status: criteria provided, multiple submitters, no conflicts (2 of 4 stars). 2 submissions from 2 submitters: Uncertain significance (2). Last evaluated 2024-07-05.

Conditions:
Inborn genetic diseases. Identifiers: MedGen C0950123, MeSH D030342.
Supravalvar aortic stenosis (SVAS). Also called: Supravalvar aortic stenosis, Eisenberg type. Identifiers: Orphanet 3193, MedGen C0003499, MONDO:0008504, OMIM 185500, HP:0004381.

Allele frequency attached by ClinVar (database versions not stated): gnomAD exomes below 0.00001; TOPMed 0.00001.
gnomAD v4.1: 2 of 1,613,910 alleles (0.00012%); highest among the groups gnomAD compares: East Asian, 0.0022%; no homozygotes.

Submissions (2):

Labcorp Genetics (formerly Invitae), Labcorp
Classification: Uncertain significance for Supravalvar aortic stenosis. Last evaluated: 2024-07-05. Review status: criteria provided, single submitter. Criteria: Invitae Variant Classification Sherloc (09022015). Collection method: clinical testing. Allele origin: germline.
Comment: This sequence change replaces threonine, which is neutral and polar, with asparagine, which is neutral and polar, at codon 485 of the ELN protein (p.Thr485Asn). This variant is not present in population databases (gnomAD no frequency). This variant has not been reported in the literature in individuals affected with ELN-related conditions. ClinVar contains an entry for this variant (Variation ID: 2233210). Advanced modeling of protein sequence and biophysical properties (such as structural, functional, and spatial information, amino acid conservation, physicochemical variation, residue mobility, and thermodynamic stability) performed at Invitae indicates that this missense variant is not expected to disrupt ELN protein function with a negative predictive value of 80%. In summary, the available evidence is currently insufficient to determine the role of this variant in disease. Therefore, it has been classified as a Variant of Uncertain Significance.

Ambry Genetics
Classification: Uncertain significance for Inborn genetic diseases. Last evaluated: 2021-06-18. Review status: criteria provided, single submitter. Criteria: Ambry Variant Classification Scheme 2023. Collection method: clinical testing. Allele origin: germline.